The following is an entry in ClinVar:

ClinVar aggregate classification (germline): Likely benign (1 of 4 stars; one submission).

Allele frequency attached by ClinVar (database versions not stated): gnomAD exomes 0.00001.

Submission:

CeGaT Center for Human Genetics Tuebingen
Classification: Likely benign. Last evaluated: 2022-12-01. Review status: criteria provided, single submitter. Criteria: CeGaT Center For Human Genetics Tuebingen Variant Classification Criteria Version 2. Collection method: clinical testing. Allele origin: germline. Affected: yes. Observed: 1 variant allele.
Comment: KLHL40: BP4, BP7

NM_152393.4(KLHL40):c.1050C>T (p.Asn350=)

Gene: KLHL40 (kelch like family member 40; plus strand). Cytogenetic location: 3p22.1.
Variant type: single nucleotide variant.
Coding change: c.1050C>T on transcript NM_152393.4 (MANE Select); coding-DNA position 1050, C replaced by T.
Protein change: p.Asn350=; no amino-acid change (asparagine 350 retained).
Molecular consequence: synonymous variant.
Genome position (GRCh38, 1-based): chr3:42,686,668, C>T. VCF-style: chr3-42686668-C-T. GRCh37 (hg19) VCF-style: chr3-42728160-C-T.
Identifiers: ClinVar variation 1879578 (VCV001879578.29), dbSNP rs1211270120, ClinGen allele CA433350621.
Genomic context (GRCh38, chr3:42,686,668, plus strand): 5'-CTACGATCCAGCAGCCAACGAGTGCTACTGTGCTTCCCTCTCCAACCAGGTCCCCAAGAA[C>T]CACGTCAGCCTGGTTACCAAGGAGAACCAGGTCTTCGTGGCTGGAGGCCTCTTCTACAAC-3'
Protein context (NP_689606.2, residues 340-360): CASLSNQVPK[Asn350=]HVSLVTKENQ